The following is an entry in ClinVar:

ClinVar aggregate classification (germline): Uncertain significance (1 of 4 stars; one submission).

gnomAD v4.1: 8 of 1,601,850 alleles (0.0005%); highest among the groups gnomAD compares: Non-Finnish European, 0.00068%; no homozygotes.

Submission:

Labcorp Genetics (formerly Invitae), Labcorp
Classification: Uncertain significance. Last evaluated: 2024-07-24. Review status: criteria provided, single submitter. Criteria: Invitae Variant Classification Sherloc (09022015). Collection method: clinical testing. Allele origin: germline.
Comment: This sequence change replaces alanine, which is neutral and non-polar, with threonine, which is neutral and polar, at codon 520 of the RELA protein (p.Ala520Thr). This variant is present in population databases (rs776126630, gnomAD 0.0009%). This variant has not been reported in the literature in individuals affected with RELA-related conditions. An algorithm developed to predict the effect of missense changes on protein structure and function outputs the following: PolyPhen-2: "Benign". The threonine amino acid residue is found in multiple mammalian species, which suggests that this missense change does not adversely affect protein function. In summary, the available evidence is currently insufficient to determine the role of this variant in disease. Therefore, it has been classified as a Variant of Uncertain Significance.

NM_021975.4(RELA):c.1558G>A (p.Ala520Thr)

Gene: RELA (RELA proto-oncogene, NF-kB subunit; minus strand). Cytogenetic location: 11q13.1.
Variant type: single nucleotide variant.
Coding change: c.1558G>A on transcript NM_021975.4 (MANE Select); coding-DNA position 1558, G replaced by A.
Protein change: p.Ala520Thr; replaces alanine 520 with threonine.
Molecular consequence: missense variant.
Genome position (GRCh38, 1-based): chr11:65,654,476, C>T on the plus strand (G>A on the coding strand, the complement: RELA is on the minus strand). VCF-style: chr11-65654476-C-T. GRCh37 (hg19) VCF-style: chr11-65421947-C-T.
Other names: c.1465G>A, p.Ala489Thr (NM_001404663.1, NM_001404662.1); c.1549G>A, p.Ala517Thr (NM_001145138.2); c.1351G>A, p.Ala451Thr (NM_001243984.2); c.1249G>A, p.Ala417Thr (NM_001243985.2); c.1591G>A, p.Ala531Thr (NM_001404657.1); c.1531G>A, p.Ala511Thr (NM_001404658.1); c.1345G>A, p.Ala449Thr (NM_001404659.1); c.1240G>A, p.Ala414Thr (NM_001404660.1); and 1 more; short protein forms A393T, A414T, A417T, A449T, A451T, A489T, A511T, A517T.
Identifiers: ClinVar variation 3612603 (VCV003612603.2).
Genomic context (GRCh38, chr11:65,654,476, plus strand): 5'-TGTCCGCAATGGAGGAGAAGTCTTCATCTCCTGAAAGGAGGCCATTGGGGAGCCCCGGGG[C>T]CCCCAGTGGAGCAGGAGCTGGGTCGGGGGGCCTCTGGGCCCCTGTCACTAGGCGAGTTAT-3'
Protein context (NP_068810.3, residues 510-530): PPDPAPAPLG[Ala520Thr]PGLPNGLLSG